The following is an entry in ClinVar:

NM_002485.5(NBN):c.2071-8T>C

Gene: NBN (nibrin; minus strand). Cytogenetic location: 8q21.3.
Variant type: single nucleotide variant.
Coding change: c.2071-8T>C on transcript NM_002485.5 (MANE Select); 8 bases into the intron before coding-DNA position 2071, T replaced by C.
Molecular consequence: intron variant.
Genome position (GRCh38, 1-based): chr8:89,943,374, A>G on the plus strand (T>C on the coding strand, the complement: NBN is on the minus strand). VCF-style: chr8-89943374-A-G. GRCh37 (hg19) VCF-style: chr8-90955602-A-G.
Other names: c.1825-8T>C (NM_001024688.3).
Identifiers: ClinVar variation 705372 (VCV000705372.15), dbSNP rs1178683426, ClinGen allele CA856704671.
Genomic context (GRCh38, chr8:89,943,374, plus strand): 5'-AGATCTGATCCTCCAATGATGTGTGGAAGTTTTCCTGCTCCAGGATATGTGACCTATTGA[A>G]TAATAAAAGTAGTACAGTAAATCATATTAACAAACAAAAATGACCATTTTTTTAAAAAGA-3'

ClinVar aggregate classification (germline): Conflicting classifications of pathogenicity. Review status: criteria provided, conflicting classifications (1 of 4 stars). 3 submissions from 3 submitters: Uncertain significance (1); Likely benign (1). 1 of the submissions does not count toward it. Last evaluated 2025-02-25.

Conditions:
Microcephaly, normal intelligence and immunodeficiency (NBS). Also called: Ataxia telangiectasia variant V1; IMMUNODEFICIENCY, MICROCEPHALY, AND CHROMOSOMAL INSTABILITY; SEEMANOVA SYNDROME II; Immunodeficiency, microcephaly with normal intelligence; Nijmegen breakage syndrome; Microcephaly with normal intelligence immunodeficiency and lymphoreticular malignancies. Identifiers: Orphanet 647, MedGen C0398791, MONDO:0009623, OMIM 251260.

Allele frequency attached by ClinVar (database versions not stated): gnomAD exomes below 0.00001; TOPMed 0.00001.
gnomAD v4.1: 2 of 1,599,846 alleles (0.00013%); highest among the groups gnomAD compares: African/African-American, 0.0027%; no homozygotes.

Submissions (3):

Labcorp Genetics (formerly Invitae), Labcorp
Classification: Likely benign for Microcephaly, normal intelligence and immunodeficiency. Last evaluated: 2025-02-25. Review status: criteria provided, single submitter. Criteria: Invitae Variant Classification Sherloc (09022015). Collection method: clinical testing. Allele origin: germline.

Quest Diagnostics Nichols Institute San Juan Capistrano
Classification: Uncertain significance. Last evaluated: 2024-10-24. Review status: criteria provided, single submitter. Criteria: Quest Diagnostics criteria. Collection method: clinical testing. Allele origin: unknown.
Comment: The NBN c.2071-8T>C variant has not been reported in individuals with NBN-related conditions in the published literature. It also has not been reported in large, multi-ethnic general populations (Genome Aggregation Database). Analysis of this variant using software algorithms for the prediction of the effect of nucleotide changes on splicing yielded predictions that this variant does not affect NBN mRNA splicing. Based on the available information, we are unable to determine the clinical significance of this variant.

Natera, Inc.
Classification: Likely benign for Nijmegen breakage syndrome. Last evaluated: 2021-07-28. Review status: no assertion criteria provided. Collection method: clinical testing. Allele origin: germline. Not counted in ClinVar's aggregate classification.